The following is an entry in ClinVar:

NM_004329.3(BMPR1A):c.788T>C (p.Phe263Ser)

Gene: BMPR1A (bone morphogenetic protein receptor type 1A; plus strand). Cytogenetic location: 10q23.2.
Variant type: single nucleotide variant.
Coding change: c.788T>C on transcript NM_004329.3 (MANE Select); coding-DNA position 788, T replaced by C.
Protein change: p.Phe263Ser; replaces phenylalanine 263 with serine.
Molecular consequence: missense variant. On other transcripts: non-coding transcript variant (3).
Genome position (GRCh38, 1-based): chr10:86,917,246, T>C. VCF-style: chr10-86917246-T-C. GRCh37 (hg19) VCF-style: chr10-88677003-T-C.
Other names: c.788T>C, p.Phe263Ser (NM_001406568.1, NM_001406569.1, NM_001406570.1 and 19 more transcripts); c.863T>C, p.Phe288Ser (NM_001406559.1); c.836T>C, p.Phe279Ser (NM_001406560.1); c.704T>C, p.Phe235Ser (NM_001406587.1, NM_001406588.1, NM_001406584.1 and 2 more transcripts); c.446T>C, p.Phe149Ser (NM_001406589.1); c.782T>C, p.Phe261Ser (NM_001406583.1); short protein forms F149S, F261S, F235S, F288S, F263S, F279S.
Identifiers: ClinVar variation 4214371 (VCV004214371.2).

ClinVar aggregate classification (germline): Uncertain significance (1 of 4 stars; one submission).

Conditions:
Hereditary cancer-predisposing syndrome. Also called: Neoplastic Syndromes, Hereditary; Tumor predisposition; Hereditary Cancer Syndrome; Hereditary neoplastic syndrome. Identifiers: Orphanet 140162, MedGen C0027672, MeSH D009386, MONDO:0015356.

Submission:

Ambry Genetics
Classification: Uncertain significance for Hereditary cancer-predisposing syndrome. Last evaluated: 2026-07-16. Review status: criteria provided, single submitter. Criteria: Ambry Variant Classification Scheme 2023. Collection method: clinical testing. Allele origin: germline.
Comment: The p.F263S variant (also known as c.788T>C), located in coding exon 7 of the BMPR1A gene, results from a T to C substitution at nucleotide position 788. The phenylalanine at codon 263 is replaced by serine, an amino acid with highly dissimilar properties. This amino acid position is conserved. In addition, this alteration is predicted to be deleterious by in silico analysis. Based on the available evidence, the clinical significance of this variant remains unclear.